The following is an entry in ClinVar:

NM_003072.5(SMARCA4):c.4742_4747dup (p.Gly1581_Glu1582dup)

Gene: SMARCA4 (SWI/SNF related BAF chromatin remodeling complex subunit ATPase 4; plus strand). Cytogenetic location: 19p13.2.
Variant type: Duplication.
Coding change: c.4742_4747dup on transcript NM_003072.5 (MANE Select); coding-DNA positions 4742 to 4747, 6 bases duplicated (GCGAGG; older notation c.4742_4747dupGCGAGG).
Protein change: p.Gly1581_Glu1582dup.
Molecular consequence: inframe insertion. On other transcripts: non-coding transcript variant (1).
Genome position (GRCh38, 1-based): chr19:11,059,859-11,059,864, GCGAGG duplicated; duplicating any 6 consecutive bases within chr19:11,059,855-11,059,864 gives the same sequence; the c. name uses the placement nearest the transcript's 3' end. VCF-style (leftmost placement, unchanged base first): chr19-11059854-A-AGAGGGC. GRCh37 (hg19) VCF-style: chr19-11170530-A-AGAGGGC.
Other names: c.4838_4843dupGCGAGG (NM_001128849.1); c.4742_4747dup, p.Gly1581_Glu1582dup (NM_001128844.3); c.4652_4657dup, p.Gly1551_Glu1552dup (NM_001128845.2); c.4649_4654dup, p.Gly1550_Glu1551dup (NM_001128846.2); c.4643_4648dup, p.Gly1548_Glu1549dup (NM_001128847.4, NM_001374457.1); c.4640_4645dup, p.Gly1547_Glu1548dup (NM_001128848.2); c.4838_4843dup, p.Gly1613_Glu1614dup (NM_001128849.3).
Identifiers: ClinVar variation 1015920 (VCV001015920.14), dbSNP rs2055163263, ClinGen allele CA993520998.
Genomic context (GRCh38, chr19:11,059,854, plus strand): 5'-CGTGCGGCAGAAAATCGAGAAGGAGGATGACAGTGAAGGCGAGGAGAGTGAGGAGGAGGA[A>AGAGGGC]GAGGGCGAGGAGGAAGGCTCCGAATCCGAATGTGAGTCCCGGGGGGGTTCAGGACGCCGG-3'

ClinVar aggregate classification (germline): Uncertain significance. Review status: criteria provided, multiple submitters, no conflicts (2 of 4 stars). 4 submissions from 4 submitters: Uncertain significance (4). Last evaluated 2025-09-16.

Conditions:
Hereditary cancer-predisposing syndrome. Also called: Hereditary Cancer Syndrome; Tumor predisposition; Neoplastic Syndromes, Hereditary; Hereditary neoplastic syndrome. Identifiers: Orphanet 140162, MedGen C0027672, MeSH D009386, MONDO:0015356.
Intellectual disability, autosomal dominant 16 (CSS4). Also called: COFFIN-SIRIS SYNDROME 4. Identifiers: Orphanet 1465, MedGen C3553249, MONDO:0013821, OMIM 614609.
Rhabdoid tumor predisposition syndrome 2 (RTPS2). Identifiers: Orphanet 231108, Orphanet 69077, MedGen C2750074, MONDO:0013224, OMIM 613325.

Submissions (4):

Labcorp Genetics (formerly Invitae), Labcorp
Classification: Uncertain significance for Rhabdoid tumor predisposition syndrome 2. Last evaluated: 2025-09-16. Review status: criteria provided, single submitter. Criteria: Invitae Variant Classification Sherloc (09022015). Collection method: clinical testing. Allele origin: germline.
Comment: This variant, c.4838_4843dup, results in the insertion of 2 amino acid(s) of the SMARCA4 protein (p.Gly1613_Glu1614dup), but otherwise preserves the integrity of the reading frame. This variant is not present in population databases (gnomAD no frequency). This variant has not been reported in the literature in individuals affected with SMARCA4-related conditions. ClinVar contains an entry for this variant (Variation ID: 1015920). Experimental studies and prediction algorithms are not available or were not evaluated, and the functional significance of this variant is currently unknown. In summary, the available evidence is currently insufficient to determine the role of this variant in disease. Therefore, it has been classified as a Variant of Uncertain Significance.

Ambry Genetics
Classification: Uncertain significance for Hereditary cancer-predisposing syndrome. Last evaluated: 2025-07-11. Review status: criteria provided, single submitter. Criteria: Ambry Variant Classification Scheme 2023. Collection method: clinical testing. Allele origin: germline.
Comment: The c.4838_4843dupGCGAGG variant (also known as p.G1613_E1614dup), located in coding exon 33 of the SMARCA4 gene, results from an in-frame duplication of GCGAGG at nucleotide positions 4838 to 4843. This results in the duplication of 2 extra residues (GE) between codons 1613 and 1614. In addition, this variant is predicted to be neutral by in silico analysis (Choi Y et al. PLoS ONE. 2012; 7(10):e46688). Since supporting evidence is limited at this time, the clinical significance of this alteration remains unclear.

Genome-Nilou Lab
Classification: Uncertain significance for Intellectual disability, autosomal dominant 16. Last evaluated: 2021-07-15. Review status: criteria provided, single submitter. Criteria: ACMG Guidelines, 2015. Collection method: clinical testing. Allele origin: germline. Affected: no.

GeneDx
Classification: Uncertain significance. Last evaluated: 2020-01-21. Review status: criteria provided, single submitter. Criteria: GeneDx Variant Classification Process June 2021. Collection method: clinical testing. Allele origin: germline. Affected: yes.
Comment: Not observed in large population cohorts (Lek et al., 2016); In-frame duplication of 2 amino acids in a non-repeat region; Has not been previously published as pathogenic or benign to our knowledge